The following is an entry in ClinVar:

ClinVar aggregate classification (germline): Pathogenic/Likely pathogenic. Review status: criteria provided, multiple submitters, no conflicts (2 of 4 stars). 2 submissions from 2 submitters: Pathogenic (1); Likely pathogenic (1). Last evaluated 2024-05-14.

Conditions:
Congenital myasthenic syndrome 4B. Also called: Myasthenic syndrome, congenital, 4b, fast-channel. Identifiers: Orphanet 590, MedGen C4225369, MONDO:0014586, OMIM 616324.
Congenital myasthenic syndrome 4A. Also called: Myasthenic syndrome, congenital, 4a, slow-channel; MYASTHENIC SYNDROME, CONGENITAL, 4A, SLOW-CHANNEL, AUTOSOMAL RECESSIVE; CONGENITAL MYASTHENIC SYNDROME TYPE Ia1. Identifiers: Orphanet 590, MedGen C4225413, MONDO:0011600, OMIM 605809.
Congenital myasthenic syndrome 4C (CMS4C). Also called: Myasthenic syndrome, congenital, associated with acetylcholine receptor deficiency. Identifiers: Orphanet 590, MedGen C1837091, MONDO:0012157, OMIM 608931.

Submissions (2):

Fulgent Genetics
Classification: Likely pathogenic for Congenital myasthenic syndrome 4A; Congenital myasthenic syndrome 4C; Congenital myasthenic syndrome 4B. Last evaluated: 2024-05-14. Review status: criteria provided, single submitter. Criteria: ACMG Guidelines, 2015. Collection method: clinical testing. Allele origin: germline.

Labcorp Genetics (formerly Invitae), Labcorp
Classification: Pathogenic for Congenital myasthenic syndrome 4A. Last evaluated: 2024-01-24. Review status: criteria provided, single submitter. Criteria: Invitae Variant Classification Sherloc (09022015). Collection method: clinical testing. Allele origin: germline.
Comment: This sequence change results in a frameshift in the CHRNE gene (p.Ala461Cysfs*43). While this is not anticipated to result in nonsense mediated decay, it is expected to disrupt the last 33 amino acid(s) of the CHRNE protein and extend the protein by 9 additional amino acid residues. This variant is not present in population databases (gnomAD no frequency). This variant has not been reported in the literature in individuals affected with CHRNE-related conditions. Algorithms developed to predict the effect of sequence changes on RNA splicing suggest that this variant may disrupt the consensus splice site. This variant disrupts a region of the CHRNE protein in which other variant(s) (p.Leu463Arg) have been determined to be pathogenic (Invitae). This suggests that this is a clinically significant region of the protein, and that variants that disrupt it are likely to be disease-causing. For these reasons, this variant has been classified as Pathogenic.

NM_000080.4(CHRNE):c.1381_1390del (p.Ala461fs)

Gene: CHRNE (cholinergic receptor nicotinic epsilon subunit; minus strand). Cytogenetic location: 17p13.2.
Variant type: Deletion.
Coding change: c.1381_1390del on transcript NM_000080.4 (MANE Select); coding-DNA positions 1381 to 1390, 10 bases deleted (GCCGCTCTGG; older notation c.1381_1390delGCCGCTCTGG).
Protein change: p.Ala461fs; shifts the reading frame from alanine 461.
Molecular consequence: frameshift variant.
Genome position (GRCh38, 1-based): chr17:4,898,828-4,898,837, CCAGAGCGGC deleted on the plus strand (GCCGCTCTGG on the coding strand, the reverse complement: CHRNE is on the minus strand); deleting any 10 consecutive bases within chr17:4,898,828-4,898,842 gives the same sequence; the c. name uses the placement nearest the transcript's 3' end. VCF-style (leftmost placement, unchanged base first): chr17-4898827-ACCAGAGCGGC-A. GRCh37 (hg19) VCF-style: chr17-4802122-ACCAGAGCGGC-A.
Other names: short protein forms A461fs.
Identifiers: ClinVar variation 2711076 (VCV002711076.4), dbSNP rs2509299493, ClinGen allele CA2697556119.